The following is an entry in ClinVar:

NM_001267550.2(TTN):c.56679dup (p.Ser18894Ter)

Genes: TTN (titin; minus strand), TTN-AS1 (TTN antisense RNA 1; plus strand). Cytogenetic location: 2q31.2.
Variant type: Duplication.
Coding change: c.56679dup on transcript NM_001267550.2 (MANE Select); coding-DNA position 56679, one base duplicated (T; older notation c.56679dupT).
Protein change: p.Ser18894Ter; replaces serine 18894 with a stop codon.
Molecular consequence: nonsense.
Genome position (GRCh38, 1-based): chr2:178,599,031, A duplicated on the plus strand (T on the coding strand, the reverse complement: TTN is on the minus strand); the first of 2 consecutive A bases (chr2:178,599,031-178,599,032); duplicating either gives the same sequence. VCF-style (leftmost placement, unchanged base first): chr2-178599030-T-TA. GRCh37 (hg19) VCF-style: chr2-179463757-T-TA.
Other names: c.51756dup, p.Ser17253Ter (NM_001256850.1); c.29484dup, p.Ser9829Ter (NM_003319.4); c.48975dup, p.Ser16326Ter (NM_133378.4); c.29859dup, p.Ser9954Ter (NM_133432.3); c.30060dup, p.Ser10021Ter (NM_133437.4); c.56679dupT (NM_001267550.2); short protein forms S16326*, S18894*, S9954*, S10021*, S17253*, S9829*.
Identifiers: ClinVar variation 873531 (VCV000873531.4), dbSNP rs2052563186, ClinGen allele CA1139655655.

ClinVar aggregate classification (germline): Likely pathogenic (1 of 4 stars; one submission).

Conditions:
Dilated cardiomyopathy 1G (CMD1G). Identifiers: Orphanet 154, MedGen C1858763, MONDO:0011400, OMIM 604145.

Submission:

Illumina Laboratory Services, Illumina
Classification: Likely pathogenic for Dilated cardiomyopathy 1G. Last evaluated: 2020-01-21. Review status: criteria provided, single submitter. Criteria: ICSLVariantClassificationCriteria RUGD 01 April 2020. Collection method: clinical testing. Allele origin: unknown.
Comment: The TTN c.56679dupT (p.Ser18894Ter) variant results in a frameshift and is predicted to result in premature termination of the protein. A literature search was performed for the gene, cDNA change, and amino acid change. No publications were found based on this search. The p.Ser18894Ter variant is located in the A-band region of TTN, and truncating variants in this region are significantly enriched in patients with dilated cardiomyopathy compared to controls (Herman et al. 2012; Roberts et al. 2015). This variant is not found in the Genome Aggregation Database in a region of good sequencing coverage, so the variant is presumed to be rare. Based on the potential impact of truncating variants and application of the ACMG criteria, the p.Ser18894Ter variant is classified as likely pathogenic for dilated cardiomyopathy.

Literature cited by the submitters: PubMed 25589632; PubMed 22335739.